The following is an entry in ClinVar:

NM_003942.3(RPS6KA4):c.2262C>T (p.Ala754=)

Gene: RPS6KA4 (ribosomal protein S6 kinase A4; plus strand). Cytogenetic location: 11q13.1.
Variant type: single nucleotide variant.
Coding change: c.2262C>T on transcript NM_003942.3 (MANE Select); coding-DNA position 2262, C replaced by T.
Protein change: p.Ala754=; no amino-acid change (alanine 754 retained).
Molecular consequence: synonymous variant.
Genome position (GRCh38, 1-based): chr11:64,371,423, C>T. VCF-style: chr11-64371423-C-T. GRCh37 (hg19) VCF-style: chr11-64138895-C-T.
Other names: c.2244C>T, p.Ala748= (NM_001006944.2); c.2241C>T, p.Ala747= (NM_001300802.2); c.2073C>T, p.Ala691= (NM_001318361.2).
Identifiers: ClinVar variation 2641925 (VCV002641925.24), dbSNP rs113701610, ClinGen allele CA6076295.

ClinVar aggregate classification (germline): Likely benign (1 of 4 stars; one submission).

Allele frequency attached by ClinVar (database versions not stated): ExAC 0.00003; gnomAD exomes 0.00003; gnomAD 0.00012.

Submission:

CeGaT Center for Human Genetics Tuebingen
Classification: Likely benign. Last evaluated: 2022-09-01. Review status: criteria provided, single submitter. Criteria: CeGaT Center For Human Genetics Tuebingen Variant Classification Criteria Version 2. Collection method: clinical testing. Allele origin: germline. Affected: yes. Observed: 1 variant allele.
Comment: RPS6KA4: BP4, BP7